The following is an entry in ClinVar:

NM_014634.4(PPM1F):c.1266C>T (p.Gly422=)

Gene: PPM1F (protein phosphatase, Mg2+/Mn2+ dependent 1F; minus strand). Cytogenetic location: 22q11.22.
Variant type: single nucleotide variant.
Coding change: c.1266C>T on transcript NM_014634.4 (MANE Select); coding-DNA position 1266, C replaced by T.
Protein change: p.Gly422=; no amino-acid change (glycine 422 retained).
Molecular consequence: synonymous variant.
Genome position (GRCh38, 1-based): chr22:21,923,191, G>A on the plus strand (C>T on the coding strand, the complement: PPM1F is on the minus strand). VCF-style: chr22-21923191-G-A. GRCh37 (hg19) VCF-style: chr22-22277564-G-A.
Other names: c.762C>T, p.Gly254= (NM_001410836.1).
Identifiers: ClinVar variation 4981044 (VCV004981044.1).

ClinVar aggregate classification (germline): Likely benign (1 of 4 stars; one submission).

Conditions:
PPM1F-related condition.

gnomAD v4.1: 44 of 1,613,486 alleles (0.0027%); highest among the groups gnomAD compares: Admixed American, 0.0067%; no homozygotes.

Submission:

PreventionGenetics, part of Exact Sciences
Classification: Likely benign for PPM1F-related condition. Last evaluated: 2026-08-11. Review status: criteria provided, single submitter. Criteria: ACMG Guidelines, 2015. Collection method: clinical testing. Allele origin: germline.
Comment: This variant is classified as likely benign based on ACMG/AMP sequence variant interpretation guidelines (Richards et al. 2015 PMID: 25741868, with internal and published modifications).